The following is an entry in ClinVar:

ClinVar aggregate classification (germline): Pathogenic (1 of 4 stars; one submission).

Conditions:
Fabry disease. Also called: ALPHA-GALACTOSIDASE A DEFICIENCY; ANDERSON-FABRY DISEASE; CERAMIDE TRIHEXOSIDASE DEFICIENCY; GLA DEFICIENCY; HEREDITARY DYSTOPIC LIPIDOSIS; Angiokeratoma corporis diffusum. Identifiers: Orphanet 324, MedGen C0002986, MONDO:0010526, OMIM 301500, HP:0001071. Disease mechanism: Fabry disease is due to inactivating mutations in the X-linked GLA gene resulting in deficiency of the enzyme Alpha Galactosidase-A., loss of function.

Submission:

Genomenon, Inc
Classification: Pathogenic for Fabry disease. Last evaluated: 2026-09-08. Review status: criteria provided, single submitter. Criteria: Genomenon Sequence Variant Interpretation Standards - Updated. Collection method: curation. Allele origin: germline. Affected: yes.
Comment: GLA p.Pro265Arg (c.794C>G) is a missense variant that changes the amino acid at codon 265 from Proline to Arginine. This variant has been observed in at least one proband with clinical features consistent with Fabry disease (PMID:8931708). The variant was found to segregate with disease in at least one affected family (PMID:8931708). At least one functional study has demonstrated a substantial alteration in protein function relative to the wild-type (PMID:22773828;27657681). This variant is located in a mutational hotspot and/or important functional domain. It is absent or not present at a significant frequency in gnomAD. In silico models predict that this variant is possibly or probably damaging. In conclusion, we classify GLA p.Pro265Arg (c.794C>G) as a pathogenic variant.

Literature cited by the submitters: PubMed 8931708; PubMed 22773828; PubMed 27657681.

NM_000169.3(GLA):c.794C>G (p.Pro265Arg)

Genes: GLA (galactosidase alpha; minus strand), RPL36A-HNRNPH2 (RPL36A-HNRNPH2 readthrough; plus strand). Cytogenetic location: Xq22.1.
Variant type: single nucleotide variant.
Coding change: c.794C>G on transcript NM_000169.3 (MANE Select); coding-DNA position 794, C replaced by G.
Protein change: p.Pro265Arg; replaces proline 265 with arginine.
Molecular consequence: missense variant. On other transcripts: non-coding transcript variant (3), intron variant (2).
Genome position (GRCh38, 1-based): chrX:101,398,792, G>C on the plus strand (C>G on the coding strand, the complement: GLA is on the minus strand). VCF-style: chrX-101398792-G-C. GRCh37 (hg19) VCF-style: chrX-100653780-G-C.
Other names: c.917C>G, p.Pro306Arg (NM_001406747.1); c.794C>G, p.Pro265Arg (NM_001406748.1); c.300+3335G>C (NM_001199973.2); c.177+6970G>C (NM_001199974.2); short protein forms P265R, P306R.
Identifiers: ClinVar variation 4087515 (VCV004087515.2).
Genomic context (GRCh38, chrX:101,398,792, plus strand): 5'-ATAGGAAACAAGCCTACCGCAGGGTCTTGAACAAGGAGGGCTCAAGTTTTTACCATATCT[G>C]GGTCATTCCAACCCCCTGGTCCAGCAACATCAACAATTCTCTCCTGGTTAAAAGATGTCC-3'
Protein context (NP_000160.1, residues 255-275): DVAGPGGWND[Pro265Arg]DMLVIGNFGL